The following is an entry in ClinVar:

ClinVar aggregate classification (germline): Uncertain significance. Review status: criteria provided, multiple submitters, no conflicts (2 of 4 stars). 2 submissions from 2 submitters: Uncertain significance (2). Last evaluated 2023-04-14.

Conditions:
Hereditary cancer-predisposing syndrome. Also called: Tumor predisposition; Neoplastic Syndromes, Hereditary; Hereditary Cancer Syndrome; Hereditary neoplastic syndrome. Identifiers: Orphanet 140162, MedGen C0027672, MeSH D009386, MONDO:0015356.
Microcephaly, normal intelligence and immunodeficiency (NBS). Also called: IMMUNODEFICIENCY, MICROCEPHALY, AND CHROMOSOMAL INSTABILITY; SEEMANOVA SYNDROME II; Nijmegen breakage syndrome; Microcephaly with normal intelligence immunodeficiency and lymphoreticular malignancies; Nonsyndromal microcephaly autosomal recessive with normal intelligence; Seemanova syndrome 2. Identifiers: Orphanet 647, MedGen C0398791, MONDO:0009623, OMIM 251260.

Submissions (2):

Labcorp Genetics (formerly Invitae), Labcorp
Classification: Uncertain significance for Microcephaly, normal intelligence and immunodeficiency. Last evaluated: 2023-04-14. Review status: criteria provided, single submitter. Criteria: Invitae Variant Classification Sherloc (09022015). Collection method: clinical testing. Allele origin: germline.
Comment: In summary, the available evidence is currently insufficient to determine the role of this variant in disease. Therefore, it has been classified as a Variant of Uncertain Significance. This sequence change replaces threonine, which is neutral and polar, with arginine, which is basic and polar, at codon 717 of the NBN protein (p.Thr717Arg). This variant is not present in population databases (gnomAD no frequency). This variant has not been reported in the literature in individuals affected with NBN-related conditions. ClinVar contains an entry for this variant (Variation ID: 1786740). An algorithm developed to predict the effect of missense changes on protein structure and function (PolyPhen-2) suggests that this variant is likely to be tolerated.

Ambry Genetics
Classification: Uncertain significance for Hereditary cancer-predisposing syndrome. Last evaluated: 2021-11-12. Review status: criteria provided, single submitter. Criteria: Ambry Variant Classification Scheme 2023. Collection method: clinical testing. Allele origin: germline.
Comment: The p.T717R variant (also known as c.2150C>G), located in coding exon 14 of the NBN gene, results from a C to G substitution at nucleotide position 2150. The threonine at codon 717 is replaced by arginine, an amino acid with similar properties. This amino acid position is conserved. In addition, this alteration is predicted to be tolerated by in silico analysis. Since supporting evidence is limited at this time, the clinical significance of this alteration remains unclear.

NM_002485.5(NBN):c.2150C>G (p.Thr717Arg)

Gene: NBN (nibrin; minus strand). Cytogenetic location: 8q21.3.
Variant type: single nucleotide variant.
Coding change: c.2150C>G on transcript NM_002485.5 (MANE Select); coding-DNA position 2150, C replaced by G.
Protein change: p.Thr717Arg; replaces threonine 717 with arginine.
Molecular consequence: missense variant.
Genome position (GRCh38, 1-based): chr8:89,943,287, G>C on the plus strand (C>G on the coding strand, the complement: NBN is on the minus strand). VCF-style: chr8-89943287-G-C. GRCh37 (hg19) VCF-style: chr8-90955515-G-C.
Other names: c.1904C>G, p.Thr635Arg (NM_001024688.3); short protein forms T635R, T717R.
Identifiers: ClinVar variation 1786740 (VCV001786740.5), dbSNP rs1554555764, ClinGen allele CA371675419.
Genomic context (GRCh38, chr8:89,943,287, plus strand): 5'-GTTTCTGGGCCTCACTTCCTACTAACCTCCATTTCCTGCCTTAGCCACTCTTCTAGTTCT[G>C]TATTCTTTCGAGCATGATGAGCTATTAGATCTGATCCTCCAATGATGTGTGGAAGTTTTC-3'
Protein context (NP_002476.2, residues 707-727): DLIAHHARKN[Thr717Arg]ELEEWLRQEM